The following is an entry in ClinVar:

ClinVar aggregate classification (germline): Likely benign. Review status: criteria provided, multiple submitters, no conflicts (2 of 4 stars). 2 submissions from 2 submitters: Likely benign (2). Last evaluated 2018-06-19.

Allele frequency attached by ClinVar (database versions not stated): gnomAD exomes 0.00138; gnomAD 0.01267 and 0.01350; TOPMed 0.01378; 1000 Genomes Project 0.01498; 1000 Genomes Project 30x 0.01546.
gnomAD v4.1: 3,705 of 1,403,754 alleles (0.26%); highest among the groups gnomAD compares: African/African-American, 4.6%; 95 homozygotes.

Submissions (2):

GeneDx
Classification: Likely benign. Last evaluated: 2018-06-19. Review status: criteria provided, single submitter. Criteria: GeneDx Variant Classification (06012015). Collection method: clinical testing. Allele origin: germline. Affected: yes.
Comment: This variant is considered likely benign or benign based on one or more of the following criteria: it is a conservative change, it occurs at a poorly conserved position in the protein, it is predicted to be benign by multiple in silico algorithms, and/or has population frequency not consistent with disease.

Breakthrough Genomics
Classification: Likely benign. Review status: criteria provided, single submitter. Criteria: ACMG Guidelines, 2015. Collection method: not provided. Allele origin: germline. Inheritance: Autosomal recessive inheritance. Affected: yes.

NM_014141.6(CNTNAP2):c.1778-106A>G

Gene: CNTNAP2 (contactin associated protein 2; plus strand). Cytogenetic location: 7q35.
Variant type: single nucleotide variant.
Coding change: c.1778-106A>G on transcript NM_014141.6 (MANE Select); 106 bases into the intron before coding-DNA position 1778, A replaced by G.
Molecular consequence: intron variant.
Genome position (GRCh38, 1-based): chr7:147,562,032, A>G. VCF-style: chr7-147562032-A-G. GRCh37 (hg19) VCF-style: chr7-147259124-A-G.
Identifiers: ClinVar variation 677545 (VCV000677545.2), dbSNP rs73464944, ClinGen allele CA168744534.
Genomic context (GRCh38, chr7:147,562,032, plus strand): 5'-GAAAGAAACAAATCATGAATTTAAATTTAGAGACAAAGAACGCTCTTTCCAGGAAGAACT[A>G]CTCCTAACTAGTGGTTTGCTAGCATTGCAATATGCCACTGGGACATTTATCTGGGGAGCC-3'